The following is an entry in ClinVar:

NM_000051.4(ATM):c.2839-384T>A

Gene: ATM (ATM serine/threonine kinase; plus strand). Cytogenetic location: 11q22.3.
Variant type: single nucleotide variant.
Coding change: c.2839-384T>A on transcript NM_000051.4 (MANE Select); 384 bases into the intron before coding-DNA position 2839, T replaced by A.
Molecular consequence: intron variant.
Genome position (GRCh38, 1-based): chr11:108,270,680, T>A. VCF-style: chr11-108270680-T-A. GRCh37 (hg19) VCF-style: chr11-108141407-T-A.
Other names: c.2839-384T>A (NM_001351834.2).
Identifiers: ClinVar variation 679801 (VCV000679801.1), dbSNP rs4987979, ClinGen allele CA228408984.

ClinVar aggregate classification (germline): Likely benign (1 of 4 stars; one submission).

Allele frequency attached by ClinVar (database versions not stated): gnomAD 0.00691 and 0.00733; TOPMed 0.00802; 1000 Genomes Project 0.01018; 1000 Genomes Project 30x 0.01046.
gnomAD v4.1: 1,047 of 152,160 alleles (0.69%); highest among the groups gnomAD compares: African/African-American, 2.3%; 16 homozygotes.

Submission:

GeneDx
Classification: Likely benign. Last evaluated: 2018-06-18. Review status: criteria provided, single submitter. Criteria: GeneDx Variant Classification (06012015). Collection method: clinical testing. Allele origin: germline. Affected: yes.
Comment: This variant is considered likely benign or benign based on one or more of the following criteria: it is a conservative change, it occurs at a poorly conserved position in the protein, it is predicted to be benign by multiple in silico algorithms, and/or has population frequency not consistent with disease.